The following is an entry in ClinVar:

NM_198334.3(GANAB):c.223A>G (p.Thr75Ala)

Gene: GANAB (glucosidase II alpha subunit; minus strand). Cytogenetic location: 11q12.3.
Variant type: single nucleotide variant.
Coding change: c.223A>G on transcript NM_198334.3 (MANE Select); coding-DNA position 223, A replaced by G.
Protein change: p.Thr75Ala; replaces threonine 75 with alanine.
Molecular consequence: missense variant. On other transcripts: 5 prime UTR variant (4), intron variant (3).
Genome position (GRCh38, 1-based): chr11:62,639,388, T>C on the plus strand (A>G on the coding strand, the complement: GANAB is on the minus strand). VCF-style: chr11-62639388-T-C. GRCh37 (hg19) VCF-style: chr11-62406860-T-C.
Other names: p.Thr75Ala; c.-69A>G (NM_001329222.2, NM_001329223.2); c.-554A>G (NM_001329224.2, NM_001329225.2); c.223A>G, p.Thr75Ala (NM_198335.4); c.39-4388A>G (NM_001278193.2, NM_001278192.2); c.-40+239A>G (NM_001278194.2); short protein forms T75A.
Identifiers: ClinVar variation 2179211 (VCV002179211.5), dbSNP rs149180702, ClinGen allele CA6051177.

ClinVar aggregate classification (germline): Benign/Likely benign. Review status: criteria provided, multiple submitters, no conflicts (2 of 4 stars). 2 submissions from 2 submitters: Benign (1); Likely benign (1). Last evaluated 2025-10-24.

Allele frequency attached by ClinVar (database versions not stated): gnomAD exomes 0.00006; ExAC 0.00028; ESP Exome Variant Server 0.00038; gnomAD 0.00068; TOPMed 0.00077; 1000 Genomes Project 0.00140; 1000 Genomes Project 30x 0.00156.
gnomAD v4.1: 182 of 1,611,756 alleles (0.011%); highest among the groups gnomAD compares: African/African-American, 0.24%; no homozygotes.

Submissions (2):

Labcorp Genetics (formerly Invitae), Labcorp
Classification: Benign. Last evaluated: 2025-10-24. Review status: criteria provided, single submitter. Criteria: Invitae Variant Classification Sherloc (09022015). Collection method: clinical testing. Allele origin: germline.

Mayo Clinic Laboratories, Mayo Clinic
Classification: Likely benign. Last evaluated: 2025-08-03. Review status: criteria provided, single submitter. Criteria: ACMG Guidelines, 2015. Collection method: clinical testing. Allele origin: germline. Observed: 2 variant alleles.
Comment: BS1_stand-alone